The following is an entry in ClinVar:

NM_013275.6(ANKRD11):c.6734C>G (p.Pro2245Arg)

Gene: ANKRD11 (ankyrin repeat domain containing 11; minus strand). Cytogenetic location: 16q24.3.
Variant type: single nucleotide variant.
Coding change: c.6734C>G on transcript NM_013275.6 (MANE Select); coding-DNA position 6734, C replaced by G.
Protein change: p.Pro2245Arg; replaces proline 2245 with arginine.
Molecular consequence: missense variant.
Genome position (GRCh38, 1-based): chr16:89,279,808, G>C on the plus strand (C>G on the coding strand, the complement: ANKRD11 is on the minus strand). VCF-style: chr16-89279808-G-C. GRCh37 (hg19) VCF-style: chr16-89346216-G-C.
Other names: c.6734C>G (NM_013275.4); c.6734C>G, p.Pro2245Arg (NM_001256182.2, NM_001256183.2); short protein forms P2245R.
Identifiers: ClinVar variation 1700803 (VCV001700803.6), dbSNP rs2151733996, ClinGen allele CA397150129.

ClinVar aggregate classification (germline): Uncertain significance. Review status: criteria provided, multiple submitters, no conflicts (2 of 4 stars). 2 submissions from 2 submitters: Uncertain significance (2). Last evaluated 2025-09-05.

Conditions:
Inborn genetic diseases. Identifiers: MedGen C0950123, MeSH D030342.

gnomAD v4.1: 23 of 1,541,698 alleles (0.0015%); highest among the groups gnomAD compares: Non-Finnish European, 0.002%; no homozygotes.

Submissions (2):

Ambry Genetics
Classification: Uncertain significance for Inborn genetic diseases. Last evaluated: 2025-09-05. Review status: criteria provided, single submitter. Criteria: Ambry Variant Classification Scheme 2023. Collection method: clinical testing. Allele origin: germline.

GeneDx
Classification: Uncertain significance. Last evaluated: 2024-02-18. Review status: criteria provided, single submitter. Criteria: GeneDx Variant Classification Process June 2021. Collection method: clinical testing. Allele origin: germline. Affected: yes.
Comment: Not observed at significant frequency in large population cohorts (gnomAD); In silico analysis supports that this missense variant does not alter protein structure/function; Has not been previously published as pathogenic or benign to our knowledge